The following is an entry in ClinVar:

NM_000044.6(AR):c.1022_1025dup (p.Ser343fs)

Gene: AR (androgen receptor; plus strand). Cytogenetic location: Xq12.
Variant type: Duplication.
Coding change: c.1022_1025dup on transcript NM_000044.6 (MANE Select); coding-DNA positions 1022 to 1025, 4 bases duplicated (TGCC; older notation c.1022_1025dupTGCC).
Protein change: p.Ser343fs; shifts the reading frame from serine 343.
Molecular consequence: frameshift variant. On other transcripts: 5 prime UTR variant (1).
Genome position (GRCh38, 1-based): chrX:67,546,168-67,546,171, TGCC duplicated; duplicating any 4 consecutive bases within chrX:67,546,167-67,546,171 gives the same sequence; the c. name uses the placement nearest the transcript's 3' end. VCF-style (leftmost placement, unchanged base first): chrX-67546166-A-ACTGC. GRCh37 (hg19) VCF-style: chrX-66766008-A-ACTGC.
Other names: c.-762_-759dup (NM_001011645.3); c.1022_1025dup, p.Ser343fs (NM_001348061.1, NM_001348063.1, NM_001348064.1); short protein forms S343fs.
Identifiers: ClinVar variation 429985 (VCV000429985.2), dbSNP rs1131691710, ClinGen allele CA645369809.
Genomic context (GRCh38, chrX:67,546,166, plus strand): 5'-AGAAGGCGAGAGCCTAGGCTGCTCTGGCAGCGCTGCAGCAGGGAGCTCCGGGACACTTGA[A>ACTGC]CTGCCGTCTACCCTGTCTCTCTACAAGTCCGGAGCACTGGACGAGGCAGCTGCGTACCAG-3'

ClinVar aggregate classification (germline): Pathogenic (1 of 4 stars; one submission).

Submission:

GeneDx
Classification: Pathogenic. Last evaluated: 2017-05-04. Review status: criteria provided, single submitter. Criteria: GeneDx Variant Classification (06012015). Collection method: clinical testing. Allele origin: germline. Affected: yes.
Comment: The c.1022_1025dupTGCC pathogenic variant in the AR gene causes a frameshift starting with codon Serine 343, changes this amino acid to an Alanine residue and creates a premature Stop codon at position 160 of the new reading frame, denoted p.Ser343ALAfsX160. This pathogenic variant is predicted to cause loss of normal protein function either through protein truncation or nonsense-mediated mRNA decay. The c.1022_1025dupTGCC variant is not observed in large population cohorts (Lek et al., 2016; 1000 Genomes Consortium et al., 2015; Exome Variant Server).